The following is an entry in ClinVar:

NM_152383.5(DIS3L2):c.525AGA[3] (p.Glu176dup)

Gene: DIS3L2 (DIS3 like 3'-5' exoribonuclease 2; plus strand). Cytogenetic location: 2q37.1.
Variant type: Microsatellite.
Coding change: c.525AGA[3] on transcript NM_152383.5 (MANE Select); three copies in a row of the 3-base unit AGA starting at c.525; the reference has two copies in a row; one copy, 3 bases duplicated.
Protein change: p.Glu176dup; duplicates glutamic acid 176.
Molecular consequence: inframe insertion. On other transcripts: non-coding transcript variant (2).
Genome position (GRCh38, 1-based): chr2:232,087,648-232,087,650, AGA duplicated; duplicating any 3 consecutive bases within chr2:232,087,645-232,087,650 gives the same sequence; the position shown is the placement nearest the transcript's 3' end. VCF-style (leftmost placement, unchanged base first): chr2-232087644-C-CAGA. GRCh37 (hg19) VCF-style: chr2-232952354-C-CAGA.
Other names: c.528_530dupAGA (NM_152383.4); c.525AGA[3], p.Glu176dup (NM_001257281.2, NM_001257282.2).
Identifiers: ClinVar variation 834832 (VCV000834832.10), dbSNP rs1412955553, ClinGen allele CA540312533.

ClinVar aggregate classification (germline): Uncertain significance. Review status: criteria provided, multiple submitters, no conflicts (2 of 4 stars). 2 submissions from 2 submitters: Uncertain significance (2). Last evaluated 2023-03-24.

Conditions:
Perlman syndrome (PRLMNS). Identifiers: Orphanet 2849, MedGen C0796113, MONDO:0009965, OMIM 267000.

Submissions (2):

Labcorp Genetics (formerly Invitae), Labcorp
Classification: Uncertain significance for Perlman syndrome. Last evaluated: 2023-03-24. Review status: criteria provided, single submitter. Criteria: Invitae Variant Classification Sherloc (09022015). Collection method: clinical testing. Allele origin: germline.
Comment: Experimental studies and prediction algorithms are not available or were not evaluated, and the functional significance of this variant is currently unknown. In summary, the available evidence is currently insufficient to determine the role of this variant in disease. Therefore, it has been classified as a Variant of Uncertain Significance. ClinVar contains an entry for this variant (Variation ID: 834832). This variant, c.528_530dup, results in the insertion of 1 amino acid(s) of the DIS3L2 protein (p.Glu176dup), but otherwise preserves the integrity of the reading frame. The frequency data for this variant in the population databases is considered unreliable, as metrics indicate poor data quality at this position in the gnomAD database. This variant has not been reported in the literature in individuals affected with DIS3L2-related conditions.

Sema4
Classification: Uncertain significance for Perlman syndrome. Last evaluated: 2021-06-02. Review status: criteria provided, single submitter. Criteria: Sema4 Curation Guidelines. Collection method: curation. Allele origin: germline.
Comment: The DIS3L2 c.528_530dupAGA (p.E176dup) variant has not been reported in the literature to our knowledge. This in-frame duplication adds one amino acid without altering the integrity of reading frame. Functional studies and prediction algorithms are not available for this duplication, and the functional impact of this variant is unknown. It was observed in 1/15424 chromosomes of the European (non-Finnish) subpopulation in the large and broad cohorts of the Genome Aggregation Database (PMID: 32461654) and has been reported in ClinVar (Variation ID 834832). The evidence is insufficient to meet ACMG/AMP criteria for classifying the variant as benign or pathogenic. Thus, the clinical significance of this variant is currently uncertain.